The following is an entry in ClinVar:

ClinVar aggregate classification (germline): Likely benign. Review status: criteria provided, single submitter (1 of 4 stars). 2 submissions from 2 submitters: Likely benign (1). 1 of the submissions does not count toward it. Last evaluated 2022-09-10.

Conditions:
SLC20A2-related disorder. Also called: SLC20A2-related condition.

Allele frequency attached by ClinVar (database versions not stated): gnomAD 0.00046 and 0.00041; gnomAD exomes 0.00003 and 0.00011; 1000 Genomes Project 30x 0.00016; TOPMed 0.00049; ExAC 0.00011; 1000 Genomes Project 0.00020; ESP Exome Variant Server 0.00046.
gnomAD v4.1: 115 of 1,613,044 alleles (0.0071%); highest among the groups gnomAD compares: African/African-American, 0.13%; no homozygotes.

Submissions (2):

Labcorp Genetics (formerly Invitae), Labcorp
Classification: Likely benign. Last evaluated: 2022-09-10. Review status: criteria provided, single submitter. Criteria: Invitae Variant Classification Sherloc (09022015). Collection method: clinical testing. Allele origin: germline.

PreventionGenetics, part of Exact Sciences
Classification: Likely benign for SLC20A2-related condition. Last evaluated: 2020-04-29. Review status: no assertion criteria provided. Collection method: clinical testing. Allele origin: germline. Not counted in ClinVar's aggregate classification.
Comment: This variant is classified as likely benign based on ACMG/AMP sequence variant interpretation guidelines (Richards et al. 2015 PMID: 25741868, with internal and published modifications).

NM_001257180.2(SLC20A2):c.687T>C (p.Phe229=)

Gene: SLC20A2 (solute carrier family 20 member 2; minus strand). Cytogenetic location: 8p11.21.
Variant type: single nucleotide variant.
Coding change: c.687T>C on transcript NM_001257180.2 (MANE Select); coding-DNA position 687, T replaced by C.
Protein change: p.Phe229=; no amino-acid change (phenylalanine 229 retained).
Molecular consequence: synonymous variant.
Genome position (GRCh38, 1-based): chr8:42,444,689, A>G on the plus strand (T>C on the coding strand, the complement: SLC20A2 is on the minus strand). VCF-style: chr8-42444689-A-G. GRCh37 (hg19) VCF-style: chr8-42302207-A-G.
Other names: c.687T>C (NM_001257180.1); c.687T>C, p.Phe229= (NM_001257181.2, NM_006749.5).
Identifiers: ClinVar variation 734005 (VCV000734005.10), dbSNP rs144390898, ClinGen allele CA4733488.
Genomic context (GRCh38, chr8:42,444,689, plus strand): 5'-AATTAAAAGGCCCATACCTGTTATTTTCCTCCGCATCCACGGACACACGAAGAGCCACAC[A>G]AAAAAAGCGAACAGGAGGGCGACACCAAAGGAAATGAGGGCTATGGCCCACATGGGGAGA-3'
Protein context (NP_001244109.1, residues 219-239): SFGVALLFAF[Phe229=]VWLFVCPWMR